The following is an entry in ClinVar:

NM_144997.7(FLCN):c.1364A>C (p.Glu455Ala)

Gene: FLCN (folliculin; minus strand). Cytogenetic location: 17p11.2.
Variant type: single nucleotide variant.
Coding change: c.1364A>C on transcript NM_144997.7 (MANE Select); coding-DNA position 1364, A replaced by C.
Protein change: p.Glu455Ala; replaces glutamic acid 455 with alanine.
Molecular consequence: missense variant.
Genome position (GRCh38, 1-based): chr17:17,215,253, T>G on the plus strand (A>C on the coding strand, the complement: FLCN is on the minus strand). VCF-style: chr17-17215253-T-G. GRCh37 (hg19) VCF-style: chr17-17118567-T-G.
Other names: c.1418A>C, p.Glu473Ala (NM_001353229.2); c.1364A>C, p.Glu455Ala (NM_001353230.2, NM_001353231.2); short protein forms E473A, E455A.
Identifiers: ClinVar variation 2313456 (VCV002313456.3), dbSNP rs199786696, ClinGen allele CA398531340.

ClinVar aggregate classification (germline): Uncertain significance (1 of 4 stars; one submission).

Conditions:
Hereditary cancer-predisposing syndrome. Also called: Hereditary Cancer Syndrome; Hereditary neoplastic syndrome; Neoplastic Syndromes, Hereditary; Tumor predisposition. Identifiers: Orphanet 140162, MedGen C0027672, MeSH D009386, MONDO:0015356.

Submission:

Ambry Genetics
Classification: Uncertain significance for Hereditary cancer-predisposing syndrome. Last evaluated: 2025-10-12. Review status: criteria provided, single submitter. Criteria: Ambry Variant Classification Scheme 2023. Collection method: clinical testing. Allele origin: germline.
Comment: The p.E455A variant (also known as c.1364A>C), located in coding exon 9 of the FLCN gene, results from an A to C substitution at nucleotide position 1364. The glutamic acid at codon 455 is replaced by alanine, an amino acid with dissimilar properties. This amino acid position is conserved. In addition, this alteration is predicted to be tolerated by in silico analysis. Based on the available evidence, the clinical significance of this variant remains unclear.